The following is an entry in ClinVar:

NM_000395.3(CSF2RB):c.8T>A (p.Leu3Gln)

Gene: CSF2RB (colony stimulating factor 2 receptor subunit beta; plus strand). Cytogenetic location: 22q12.3.
Variant type: single nucleotide variant.
Coding change: c.8T>A on transcript NM_000395.3 (MANE Select); coding-DNA position 8, T replaced by A.
Protein change: p.Leu3Gln; replaces leucine 3 with glutamine.
Molecular consequence: missense variant.
Genome position (GRCh38, 1-based): chr22:36,922,215, T>A. VCF-style: chr22-36922215-T-A. GRCh37 (hg19) VCF-style: chr22-37318257-T-A.
Other names: c.8T>A, p.Leu3Gln (NM_001410827.1); short protein forms L3Q.
Identifiers: ClinVar variation 2970220 (VCV002970220.3), dbSNP rs1363625718, ClinGen allele CA411401104.

ClinVar aggregate classification (germline): Uncertain significance (1 of 4 stars; one submission).

gnomAD v4.1: 2 of 1,588,104 alleles (0.00013%); highest among the groups gnomAD compares: South Asian, 0.0023%; no homozygotes.

Submission:

Labcorp Genetics (formerly Invitae), Labcorp
Classification: Uncertain significance. Last evaluated: 2024-05-06. Review status: criteria provided, single submitter. Criteria: Invitae Variant Classification Sherloc (09022015). Collection method: clinical testing. Allele origin: germline.
Comment: This sequence change replaces leucine, which is neutral and non-polar, with glutamine, which is neutral and polar, at codon 3 of the CSF2RB protein (p.Leu3Gln). This variant is not present in population databases (gnomAD no frequency). This variant has not been reported in the literature in individuals affected with CSF2RB-related conditions. Algorithms developed to predict the effect of missense changes on protein structure and function output the following: SIFT: "Not Available"; PolyPhen-2: "Probably Damaging"; Align-GVGD: "Not Available". The glutamine amino acid residue is found in multiple mammalian species, which suggests that this missense change does not adversely affect protein function. In summary, the available evidence is currently insufficient to determine the role of this variant in disease. Therefore, it has been classified as a Variant of Uncertain Significance.